The following is an entry in ClinVar:

ClinVar aggregate classification (germline): Uncertain significance (1 of 4 stars; one submission).

Allele frequency attached by ClinVar (database versions not stated): ExAC 0.00001.
gnomAD v4.1: 1 of 1,614,030 alleles (0.000062%); highest among the groups gnomAD compares: South Asian, 0.0011%; no homozygotes.

Submission:

GeneDx
Classification: Uncertain significance. Last evaluated: 2023-10-11. Review status: criteria provided, single submitter. Criteria: GeneDx Variant Classification Process June 2021. Collection method: clinical testing. Allele origin: germline. Affected: yes.
Comment: In silico analysis supports that this missense variant has a deleterious effect on protein structure/function; Has not been previously published as pathogenic or benign to our knowledge

NM_006015.6(ARID1A):c.6694C>G (p.Arg2232Gly)

Gene: ARID1A (AT-rich interaction domain 1A; plus strand). Cytogenetic location: 1p36.11.
Variant type: single nucleotide variant.
Coding change: c.6694C>G on transcript NM_006015.6 (MANE Select); coding-DNA position 6694, C replaced by G.
Protein change: p.Arg2232Gly; replaces arginine 2232 with glycine.
Molecular consequence: missense variant.
Genome position (GRCh38, 1-based): chr1:26,780,592, C>G. VCF-style: chr1-26780592-C-G. GRCh37 (hg19) VCF-style: chr1-27107083-C-G.
Other names: c.6043C>G, p.Arg2015Gly (NM_139135.4); short protein forms R2015G, R2232G.
Identifiers: ClinVar variation 3252604 (VCV003252604.1), dbSNP rs752164675.